The following is an entry in ClinVar:

ClinVar aggregate classification (germline): Likely benign. Review status: criteria provided, multiple submitters, no conflicts (2 of 4 stars). 2 submissions from 2 submitters: Likely benign (2). Last evaluated 2026-01-19.

Conditions:
SLC25A42-related disorder. Also called: SLC25A42-related condition.

gnomAD v4.1: 16 of 1,613,194 alleles (0.00099%); highest among the groups gnomAD compares: African/African-American, 0.0013%; no homozygotes.

Submissions (2):

Labcorp Genetics (formerly Invitae), Labcorp
Classification: Likely benign. Last evaluated: 2026-01-19. Review status: criteria provided, single submitter. Criteria: Invitae Variant Classification Sherloc (09022015). Collection method: clinical testing. Allele origin: germline.

PreventionGenetics, part of Exact Sciences
Classification: Likely benign for SLC25A42-related condition. Last evaluated: 2025-12-09. Review status: criteria provided, single submitter. Criteria: ACMG Guidelines, 2015. Collection method: clinical testing. Allele origin: germline.
Comment: This variant is classified as likely benign based on ACMG/AMP sequence variant interpretation guidelines (Richards et al. 2015 PMID: 25741868, with internal and published modifications).

NM_178526.5(SLC25A42):c.414C>T (p.Gly138=)

Gene: SLC25A42 (solute carrier family 25 member 42; plus strand). Cytogenetic location: 19p13.11.
Variant type: single nucleotide variant.
Coding change: c.414C>T on transcript NM_178526.5 (MANE Select); coding-DNA position 414, C replaced by T.
Protein change: p.Gly138=; no amino-acid change (glycine 138 retained).
Molecular consequence: synonymous variant.
Genome position (GRCh38, 1-based): chr19:19,106,302, C>T. VCF-style: chr19-19106302-C-T. GRCh37 (hg19) VCF-style: chr19-19217111-C-T.
Other names: c.414C>T, p.Gly138= (NM_001321544.2); c.414C>T (NM_178526.4).
Identifiers: ClinVar variation 3635951 (VCV003635951.3).